The following is an entry in ClinVar:

NM_001128178.3(NPHP1):c.156A>G (p.Leu52=)

Gene: NPHP1 (nephrocystin 1; minus strand). Cytogenetic location: 2q13.
Variant type: single nucleotide variant.
Coding change: c.156A>G on transcript NM_001128178.3 (MANE Select); coding-DNA position 156, A replaced by G.
Protein change: p.Leu52=; no amino-acid change (leucine 52 retained).
Molecular consequence: synonymous variant. On other transcripts: intron variant (1).
Genome position (GRCh38, 1-based): chr2:110,179,672, T>C on the plus strand (A>G on the coding strand, the complement: NPHP1 is on the minus strand). VCF-style: chr2-110179672-T-C. GRCh37 (hg19) VCF-style: chr2-110937249-T-C.
Other names: c.156A>G, p.Leu52= (NM_000272.5, NM_001374256.1, NM_001374257.1 and 1 more transcripts); c.144-9674A>G (NM_001128179.3).
Identifiers: ClinVar variation 462706 (VCV000462706.12), dbSNP rs759699517, ClinGen allele CA1827483.
Genomic context (GRCh38, chr2:110,179,672, plus strand): 5'-CTCAATACTTACTTTGCTTAATTTTTGAAGAGCATTTTTATTTTCATCTATTGCCTGCTT[T>C]AACTGGATACATCTAAATTAAGAAAAAAAAGAAAATATATTGATTTTTCTATTATCAGAA-3'
Protein context (NP_001121650.1, residues 42-62): RQHIYQRCIQ[Leu52=]KQAIDENKNA

ClinVar aggregate classification (germline): Likely benign. Review status: criteria provided, multiple submitters, no conflicts (2 of 4 stars). 3 submissions from 3 submitters: Likely benign (3). Last evaluated 2026-01-24.

Conditions:
NPHP1-related disorder. Also called: NPHP1-related condition; NPHP1-related disorders.
Nephronophthisis. Also called: Juvenile Nephronophthisis. Identifiers: Orphanet 655, MedGen C0687120, MONDO:0019005, HP:0000090.

Allele frequency attached by ClinVar (database versions not stated): ExAC 0.00002; gnomAD exomes 0.00003; TOPMed 0.00003; gnomAD 0.00007.

Submissions (3):

Labcorp Genetics (formerly Invitae), Labcorp
Classification: Likely benign for Nephronophthisis. Last evaluated: 2026-01-24. Review status: criteria provided, single submitter. Criteria: Invitae Variant Classification Sherloc (09022015). Collection method: clinical testing. Allele origin: germline.

PreventionGenetics, part of Exact Sciences
Classification: Likely benign for NPHP1-related condition. Last evaluated: 2025-07-11. Review status: criteria provided, single submitter. Criteria: ACMG Guidelines, 2015. Collection method: clinical testing. Allele origin: germline.
Comment: This variant is classified as likely benign based on ACMG/AMP sequence variant interpretation guidelines (Richards et al. 2015 PMID: 25741868, with internal and published modifications).

Blueprint Genetics
Classification: Likely benign. Last evaluated: 2024-02-28. Review status: criteria provided, single submitter. Criteria: ACMG Guidelines, 2015. Collection method: clinical testing. Allele origin: germline.